The following is an entry in ClinVar:

ClinVar aggregate classification (germline): Uncertain significance (0 of 4 stars; one submission).

Conditions:
SHANK2-related disorder.

gnomAD v4.1: 5 of 1,614,110 alleles (0.00031%); highest among the groups gnomAD compares: Non-Finnish European, 0.00042%; no homozygotes.

Submission:

PreventionGenetics, part of Exact Sciences
Classification: Uncertain significance for SHANK2-related condition. Last evaluated: 2024-08-02. Review status: no assertion criteria provided. Collection method: clinical testing. Allele origin: germline.
Comment: The SHANK2 c.4603G>A variant is predicted to result in the amino acid substitution p.Asp1535Asn. To our knowledge, this variant has not been reported in the literature. This variant is reported in 0.0035% of alleles in individuals of European (Non-Finnish) descent in gnomAD. At this time, the clinical significance of this variant is uncertain due to the absence of conclusive functional and genetic evidence.

NM_012309.5(SHANK2):c.4603G>A (p.Asp1535Asn)

Gene: SHANK2 (SH3 and multiple ankyrin repeat domains 2; minus strand). Cytogenetic location: 11q13.3.
Variant type: single nucleotide variant.
Coding change: c.4603G>A on transcript NM_012309.5 (MANE Select); coding-DNA position 4603, G replaced by A.
Protein change: p.Asp1535Asn; replaces aspartic acid 1535 with asparagine.
Molecular consequence: missense variant.
Genome position (GRCh38, 1-based): chr11:70,485,690, C>T on the plus strand (G>A on the coding strand, the complement: SHANK2 is on the minus strand). VCF-style: chr11-70485690-C-T. GRCh37 (hg19) VCF-style: chr11-70331795-C-T.
Other names: c.3466G>A, p.Asp1156Asn (NM_001379226.1); c.2839G>A, p.Asp947Asn (NM_133266.5); short protein forms D1156N, D1535N, D947N.
Identifiers: ClinVar variation 3354893 (VCV003354893.1).